The following is an entry in ClinVar:

Conditions:
Arteriohepatic dysplasia. Also called: Alagille Syndrome. Identifiers: Orphanet 52, MedGen C0085280, MeSH D016738, MONDO:0007318.

Submission:

Gilbert/Spinner Lab, Children's Hospital of Philadelphia
No classification provided (evidence only). Condition: Alagille syndrome. Review status: no classification provided. Collection method: research. Allele origin: not applicable. Functional consequence: functionally_abnormal.
ClinVar note: "not provided" was previously submitted as the classification for the variant. However, the classification appeared to be based only on an observation of functional data so it was converted to no classification on 2025-07-30.

NM_000214.3(JAG1):c.275G>C (p.Cys92Ser)

Gene: JAG1 (jagged canonical Notch ligand 1; minus strand). Cytogenetic location: 20p12.2.
Variant type: single nucleotide variant.
Coding change: c.275G>C on transcript NM_000214.3 (MANE Select); coding-DNA position 275, G replaced by C.
Protein change: p.Cys92Ser; replaces cysteine 92 with serine.
Molecular consequence: missense variant.
Genome position (GRCh38, 1-based): chr20:10,672,813, C>G on the plus strand (G>C on the coding strand, the complement: JAG1 is on the minus strand). VCF-style: chr20-10672813-C-G. GRCh37 (hg19) VCF-style: chr20-10653461-C-G.
Other names: short protein forms C92S.
Identifiers: ClinVar variation 3573434 (VCV003573434.2).